The following is an entry in ClinVar:

NM_002655.3(PLAG1):c.608A>G (p.His203Arg)

Genes: PLAG1 (PLAG1 zinc finger; minus strand), LOC126860395 (BRD4-independent group 4 enhancer GRCh37_chr8:57079228-57080427; plus strand). Cytogenetic location: 8q12.1.
Variant type: single nucleotide variant.
Coding change: c.608A>G on transcript NM_002655.3 (MANE Select); coding-DNA position 608, A replaced by G.
Protein change: p.His203Arg; replaces histidine 203 with arginine.
Molecular consequence: missense variant.
Genome position (GRCh38, 1-based): chr8:56,167,138, T>C on the plus strand (A>G on the coding strand, the complement: PLAG1 is on the minus strand). VCF-style: chr8-56167138-T-C. GRCh37 (hg19) VCF-style: chr8-57079697-T-C.
Other names: c.608A>G, p.His203Arg (NM_001114634.2); c.362A>G, p.His121Arg (NM_001114635.2); short protein forms H121R, H203R.
Identifiers: ClinVar variation 3390718 (VCV003390718.1).
Genomic context (GRCh38, chr8:56,167,138, plus strand): 5'-CCAAATCTCTGTGCACAATACTGACAGAGGAAGTCCTTTCTTCCAGTGTGCACCACCATG[T>C]GTCTCCGGACATCCTTTCGGGTGTAGAACCGGCGATCACAATGTTCGCACTGGTGCTTTT-3'
Protein context (NP_002646.2, residues 193-213): RFYTRKDVRR[His203Arg]MVVHTGRKDF

ClinVar aggregate classification (germline): Uncertain significance (1 of 4 stars; one submission).

Submission:

GeneDx
Classification: Uncertain significance. Last evaluated: 2024-06-10. Review status: criteria provided, single submitter. Criteria: GeneDx Variant Classification Process June 2021. Collection method: clinical testing. Allele origin: germline. Affected: yes.
Comment: Not observed at significant frequency in large population cohorts (gnomAD); In silico analysis supports that this missense variant has a deleterious effect on protein structure/function; Has not been previously published as pathogenic or benign to our knowledge